The following is an entry in ClinVar:

ClinVar aggregate classification (germline): Likely benign (1 of 4 stars; one submission).

gnomAD v4.1: 6,450 of 1,613,286 alleles (0.4%); highest among the groups gnomAD compares: Non-Finnish European, 0.49%; 18 homozygotes.

Submission:

CeGaT Center for Human Genetics Tuebingen
Classification: Likely benign. Last evaluated: 2026-09-01. Review status: criteria provided, single submitter. Criteria: CeGaT Center For Human Genetics Tuebingen Variant Classification Criteria Version 2. Collection method: clinical testing. Allele origin: germline. Affected: yes. Observed: 5 variant alleles.
Comment: FILIP1: BS2

NM_015687.5(FILIP1):c.11G>A (p.Arg4Gln)

Genes: FILIP1 (filamin A interacting protein 1; minus strand), LOC101928540 (uncharacterized LOC101928540; plus strand). Cytogenetic location: 6q14.1.
Variant type: single nucleotide variant.
Coding change: c.11G>A on transcript NM_015687.5 (MANE Select); coding-DNA position 11, G replaced by A.
Protein change: p.Arg4Gln; replaces arginine 4 with glutamine.
Molecular consequence: missense variant.
Genome position (GRCh38, 1-based): chr6:75,414,962, C>T on the plus strand (G>A on the coding strand, the complement: FILIP1 is on the minus strand). VCF-style: chr6-75414962-C-T. GRCh37 (hg19) VCF-style: chr6-76124678-C-T.
Other names: c.20G>A, p.Arg7Gln (NM_001289987.3); c.11G>A, p.Arg4Gln (NM_001300866.3); short protein forms R4Q, R7Q.
Identifiers: ClinVar variation 4083661 (VCV004083661.8).